The following is an entry in ClinVar:

NM_014946.4(SPAST):c.1322-1G>C

Gene: SPAST (spastin; plus strand). Cytogenetic location: 2p22.3.
Variant type: single nucleotide variant.
Coding change: c.1322-1G>C on transcript NM_014946.4 (MANE Select); the canonical splice acceptor site of the intron before coding-DNA position 1322, G replaced by C.
Molecular consequence: splice acceptor variant.
Genome position (GRCh38, 1-based): chr2:32,136,876, G>C. VCF-style: chr2-32136876-G-C. GRCh37 (hg19) VCF-style: chr2-32361945-G-C.
Other names: c.1226-1G>C (NM_199436.2, NM_001377959.1); c.1319-1G>C (NM_001363823.2); c.1223-1G>C (NM_001363875.2).
Identifiers: ClinVar variation 2578848 (VCV002578848.25), dbSNP rs1365753930, ClinGen allele CA346502155.

ClinVar aggregate classification (germline): Pathogenic (1 of 4 stars; one submission).

Submission:

CeGaT Center for Human Genetics Tuebingen
Classification: Pathogenic. Last evaluated: 2023-08-01. Review status: criteria provided, single submitter. Criteria: CeGaT Center For Human Genetics Tuebingen Variant Classification Criteria Version 2. Collection method: clinical testing. Allele origin: germline. Affected: yes. Observed: 1 variant allele.
Comment: SPAST: PVS1, PM2